The following is an entry in ClinVar:

ClinVar aggregate classification (germline): Uncertain significance. Review status: criteria provided, multiple submitters, no conflicts (2 of 4 stars). 5 submissions from 5 submitters: Uncertain significance (5). Last evaluated 2026-10-01.

Conditions:
Monosomy 7 myelodysplasia and leukemia syndrome 2. Identifiers: MedGen C5436668, MONDO:0030801, OMIM 619041.
Inborn genetic diseases. Identifiers: MedGen C0950123, MeSH D030342.
Intellectual disability. Also called: Intellectual developmental disorder; Intellectual functioning disability; intellectual disabilities. Identifiers: MedGen C3714756, MeSH D008607, MONDO:0001071, HP:0001249.

Allele frequency attached by ClinVar (database versions not stated): ExAC 0.00003; gnomAD exomes 0.00004 and 0.00017; TOPMed 0.00007; gnomAD 0.00011 and 0.00012.

Submissions (5):

St. Jude Molecular Pathology, St. Jude Children's Research Hospital
Classification: Uncertain significance for Monosomy 7 myelodysplasia and leukemia syndrome 2. Last evaluated: 2026-10-01. Review status: criteria provided, single submitter. Criteria: St. Jude Assertion Criteria 2020. Collection method: clinical testing. Allele origin: germline.
Comment: The SAMD9 c.3092T>C p.(Met1031Thr) missense change has a maxim um subpopulation frequency of 0.009% in gnomAD v2.1.1. The in silico tool REVEL predicts a benign effect on protein function, however in silico predictions have not been found to correlate with syndromic risk and are thus not considered supporting evidence of a pathogenic or benign effect (PMID: 34621053). To our knowledge, this variant has not been reported in individuals with SAMD9-associated conditions. In summary, the evidence currently available is insufficient to determine the clinical significance of this variant. It has therefore been classified as of uncertain significance.

Labcorp Genetics (formerly Invitae), Labcorp
Classification: Uncertain significance. Last evaluated: 2025-10-15. Review status: criteria provided, single submitter. Criteria: Invitae Variant Classification Sherloc (09022015). Collection method: clinical testing. Allele origin: germline.
Comment: This sequence change replaces methionine, which is neutral and non-polar, with threonine, which is neutral and polar, at codon 1031 of the SAMD9 protein (p.Met1031Thr). This variant is present in population databases (rs759155667, gnomAD 0.009%). This variant has not been reported in the literature in individuals affected with SAMD9-related conditions. ClinVar contains an entry for this variant (Variation ID: 1504375). Invitae Evidence Modeling of protein sequence and biophysical properties (such as structural, functional, and spatial information, amino acid conservation, physicochemical variation, residue mobility, and thermodynamic stability) indicates that this missense variant is not expected to disrupt SAMD9 protein function with a negative predictive value of 95%. In summary, the available evidence is currently insufficient to determine the role of this variant in disease. Therefore, it has been classified as a Variant of Uncertain Significance.

GeneDx
Classification: Uncertain significance. Last evaluated: 2025-10-01. Review status: criteria provided, single submitter. Criteria: GeneDx Variant Classification Process June 2021. Collection method: clinical testing. Allele origin: germline.
Comment: In silico analysis suggests that this missense variant does not alter protein structure/function; Has not been previously published as pathogenic or benign to our knowledge; This variant is associated with the following publications: (PMID: 28545555)

Ambry Genetics
Classification: Uncertain significance for Inborn genetic diseases. Last evaluated: 2024-11-21. Review status: criteria provided, single submitter. Criteria: Ambry Variant Classification Scheme 2023. Collection method: clinical testing. Allele origin: germline.
Comment: The p.M1031T variant (also known as c.3092T>C), located in coding exon 1 of the SAMD9 gene, results from a T to C substitution at nucleotide position 3092. The methionine at codon 1031 is replaced by threonine, an amino acid with similar properties. This amino acid position is conserved. In addition, this alteration is predicted to be tolerated by in silico analysis. Based on the available evidence, the clinical significance of this variant remains unclear.

Cambridge Genomics Laboratory, East Genomic Laboratory Hub, NHS Genomic Medicine Service
Classification: Uncertain significance for Intellectual disability. Last evaluated: 2020-04-29. Review status: criteria provided, single submitter. Criteria: ACGS Best Practice Guidelines for Variant Classification in Rare Disease 2020. Collection method: clinical testing. Allele origin: germline. Affected: yes. Observed: 1 variant allele.

NM_017654.4(SAMD9):c.3092T>C (p.Met1031Thr)

Gene: SAMD9 (sterile alpha motif domain containing 9; minus strand). Cytogenetic location: 7q21.2.
Variant type: single nucleotide variant.
Coding change: c.3092T>C on transcript NM_017654.4 (MANE Select); coding-DNA position 3092, T replaced by C.
Protein change: p.Met1031Thr; replaces methionine 1031 with threonine.
Molecular consequence: missense variant.
Genome position (GRCh38, 1-based): chr7:93,103,006, A>G on the plus strand (T>C on the coding strand, the complement: SAMD9 is on the minus strand). VCF-style: chr7-93103006-A-G. GRCh37 (hg19) VCF-style: chr7-92732319-A-G.
Other names: c.3092T>C (NM_017654.3); c.3092T>C, p.Met1031Thr (NM_001193307.2); short protein forms M1031T.
Identifiers: ClinVar variation 1504375 (VCV001504375.13), dbSNP rs759155667, ClinGen allele CA4342753.